The following is an entry in ClinVar:

ClinVar aggregate classification (germline): Uncertain significance. Review status: criteria provided, multiple submitters, no conflicts (2 of 4 stars). 3 submissions from 3 submitters: Uncertain significance (3). Last evaluated 2025-12-29.

Conditions:
Hereditary cancer-predisposing syndrome. Also called: Hereditary Cancer Syndrome; Neoplastic Syndromes, Hereditary; Hereditary neoplastic syndrome; Tumor predisposition. Identifiers: Orphanet 140162, MedGen C0027672, MeSH D009386, MONDO:0015356.
Hereditary nonpolyposis colorectal neoplasms. Identifiers: MedGen C0009405, MeSH D003123.

Allele frequency attached by ClinVar (database versions not stated): TOPMed below 0.00001.

Submissions (3):

Center for Genomic Medicine, Rigshospitalet, Copenhagen University Hospital
Classification: Uncertain significance. Last evaluated: 2025-12-29. Review status: criteria provided, single submitter. Criteria: ACMG Guidelines, 2015. Collection method: clinical testing. Allele origin: germline.

Labcorp Genetics (formerly Invitae), Labcorp
Classification: Uncertain significance for Hereditary nonpolyposis colorectal neoplasms. Last evaluated: 2025-06-25. Review status: criteria provided, single submitter. Criteria: Invitae Variant Classification Sherloc (09022015). Collection method: clinical testing. Allele origin: germline.
Comment: This sequence change replaces glutamic acid, which is acidic and polar, with aspartic acid, which is acidic and polar, at codon 597 of the MSH6 protein (p.Glu597Asp). This variant is not present in population databases (gnomAD no frequency). This variant has not been reported in the literature in individuals affected with MSH6-related conditions. ClinVar contains an entry for this variant (Variation ID: 428400). Invitae Evidence Modeling of protein sequence and biophysical properties (such as structural, functional, and spatial information, amino acid conservation, physicochemical variation, residue mobility, and thermodynamic stability) indicates that this missense variant is not expected to disrupt MSH6 protein function with a negative predictive value of 95%. In summary, the available evidence is currently insufficient to determine the role of this variant in disease. Therefore, it has been classified as a Variant of Uncertain Significance.

Ambry Genetics
Classification: Uncertain significance for Hereditary cancer-predisposing syndrome. Last evaluated: 2024-11-11. Review status: criteria provided, single submitter. Criteria: Ambry Variant Classification Scheme 2023. Collection method: clinical testing. Allele origin: germline.
Comment: The p.E597D variant (also known as c.1791A>C), located in coding exon 4 of the MSH6 gene, results from an A to C substitution at nucleotide position 1791. The glutamic acid at codon 597 is replaced by aspartic acid, an amino acid with highly similar properties. This amino acid position is highly conserved in available vertebrate species. In addition, this alteration is predicted to be deleterious by in silico analysis. Since supporting evidence is limited at this time, the clinical significance of this alteration remains unclear.

NM_000179.3(MSH6):c.1791A>C (p.Glu597Asp)

Gene: MSH6 (mutS homolog 6; plus strand). Cytogenetic location: 2p16.3.
Variant type: single nucleotide variant.
Coding change: c.1791A>C on transcript NM_000179.3 (MANE Select); coding-DNA position 1791, A replaced by C.
Protein change: p.Glu597Asp; replaces glutamic acid 597 with aspartic acid.
Molecular consequence: missense variant.
Genome position (GRCh38, 1-based): chr2:47,799,774, A>C. VCF-style: chr2-47799774-A-C. GRCh37 (hg19) VCF-style: chr2-48026913-A-C.
Other names: c.1401A>C, p.Glu467Asp (NM_001281492.2); c.885A>C, p.Glu295Asp (NM_001281493.2, NM_001281494.2); short protein forms E597D, E467D, E295D.
Identifiers: ClinVar variation 428400 (VCV000428400.15), dbSNP rs1114167769, ClinGen allele CA346749291.